The following is an entry in ClinVar:

ClinVar aggregate classification (germline): Uncertain significance (1 of 4 stars; one submission).

Conditions:
Cryptosporidiosis-chronic cholangitis-liver disease syndrome. Also called: Immunodeficiency type 56; IL21R immunodeficiency. Identifiers: Orphanet 357329, MedGen C3554687, MONDO:0014082, OMIM 615207.

Allele frequency attached by ClinVar (database versions not stated): ExAC 0.00001.

Submission:

Labcorp Genetics (formerly Invitae), Labcorp
Classification: Uncertain significance for Cryptosporidiosis-chronic cholangitis-liver disease syndrome. Last evaluated: 2022-02-11. Review status: criteria provided, single submitter. Criteria: Invitae Variant Classification Sherloc (09022015). Collection method: clinical testing. Allele origin: germline.
Comment: In summary, the available evidence is currently insufficient to determine the role of this variant in disease. Therefore, it has been classified as a Variant of Uncertain Significance. This sequence change replaces serine, which is neutral and polar, with glycine, which is neutral and non-polar, at codon 444 of the IL21R protein (p.Ser444Gly). This variant is present in population databases (rs777927161, gnomAD 0.0009%). This variant has not been reported in the literature in individuals affected with IL21R-related conditions. Algorithms developed to predict the effect of missense changes on protein structure and function output the following: SIFT: "Tolerated"; PolyPhen-2: "Benign"; Align-GVGD: "Class C0". The glycine amino acid residue is found in multiple mammalian species, which suggests that this missense change does not adversely affect protein function.

NM_181078.3(IL21R):c.1330A>G (p.Ser444Gly)

Genes: IL21R-AS1 (IL21R antisense RNA 1; minus strand), IL21R (interleukin 21 receptor; plus strand). Cytogenetic location: 16p12.1.
Variant type: single nucleotide variant.
Coding change: c.1330A>G on transcript NM_181078.3 (MANE Select); coding-DNA position 1330, A replaced by G.
Protein change: p.Ser444Gly; replaces serine 444 with glycine.
Molecular consequence: missense variant. On other transcripts: non-coding transcript variant (1).
Genome position (GRCh38, 1-based): chr16:27,448,996, A>G. VCF-style: chr16-27448996-A-G. GRCh37 (hg19) VCF-style: chr16-27460317-A-G.
Other names: c.1330A>G, p.Ser444Gly (NM_021798.4); c.1396A>G, p.Ser466Gly (NM_181079.5); short protein forms S466G, S444G.
Identifiers: ClinVar variation 2096720 (VCV002096720.4), dbSNP rs777927161, ClinGen allele CA7975188.
Genomic context (GRCh38, chr16:27,448,996, plus strand): 5'-ACAGTCCTGTCCTGTGGCTGTGTCTCAGCTGGCAGCCCTGGGCTAGGAGGGCCCCTGGGA[A>G]GCCTCCTGGACAGACTAAAGCCACCCCTTGCAGATGGGGAGGACTGGGCTGGGGGACTGC-3'
Protein context (NP_851564.1, residues 434-454): GSPGLGGPLG[Ser444Gly]LLDRLKPPLA